The following is an entry in ClinVar:

NC_012920.1(MT-ND5):m.13279G>A

Gene: MT-ND5 (mitochondrially encoded NADH dehydrogenase 5; plus strand).
Variant type: single nucleotide variant.
Genome position: chrM-13279-G-A.
Identifiers: ClinVar variation 693541 (VCV000693541.1), dbSNP rs1603224126, ClinGen allele CA414817277.

ClinVar aggregate classification (germline): Uncertain significance (1 of 4 stars; one submission).

Conditions:
Leigh syndrome (NULS). Also called: Leigh's necrotizing encephalopathy; Leigh's disease; Leigh Syndrome (mtDNA deletion); Leigh Disease; Subacute necrotizing encephalopathy; Necrotizing encephalopathy infantile subacute of Leigh. Identifiers: Orphanet 506, MedGen C2931891, MONDO:0009723, OMIM 256000.

Submission:

Wong Mito Lab, Molecular and Human Genetics, Baylor College of Medicine
Classification: Uncertain significance for Leigh syndrome. Last evaluated: 2019-10-17. Review status: criteria provided, single submitter. Criteria: Modified ACMG Guidelines (Unpublished). Collection method: clinical testing. Allele origin: germline.
Comment: The NC_012920.1:m.13279G>A (YP_003024036.1:p.Val315Ile) variant in MTND5 gene is interpretated to be a Uncertain Significance variant based on the modified ACMG guidelines (unpublished). This variant meets the following evidence codes: BP4